The following is an entry in ClinVar:

NM_006129.5(BMP1):c.1945G>A (p.Val649Met)

Gene: BMP1 (bone morphogenetic protein 1; plus strand). Cytogenetic location: 8p21.3.
Variant type: single nucleotide variant.
Coding change: c.1945G>A on transcript NM_006129.5 (MANE Select); coding-DNA position 1945, G replaced by A.
Protein change: p.Val649Met; replaces valine 649 with methionine.
Molecular consequence: missense variant. On other transcripts: non-coding transcript variant (2).
Genome position (GRCh38, 1-based): chr8:22,197,258, G>A. VCF-style: chr8-22197258-G-A. GRCh37 (hg19) VCF-style: chr8-22054771-G-A.
Other names: c.1945G>A, p.Val649Met (NM_001199.4); short protein forms V649M.
Identifiers: ClinVar variation 1939808 (VCV001939808.2), dbSNP rs1167229119, ClinGen allele CA370499575.

ClinVar aggregate classification (germline): Uncertain significance (1 of 4 stars; one submission).

Allele frequency attached by ClinVar (database versions not stated): gnomAD 0.00001; TOPMed 0.00001.
gnomAD v4.1: 20 of 1,611,376 alleles (0.0012%); highest among the groups gnomAD compares: Non-Finnish European, 0.0015%; no homozygotes.

Submission:

Labcorp Genetics (formerly Invitae), Labcorp
Classification: Uncertain significance. Last evaluated: 2022-05-08. Review status: criteria provided, single submitter. Criteria: Invitae Variant Classification Sherloc (09022015). Collection method: clinical testing. Allele origin: germline.
Comment: This sequence change replaces valine, which is neutral and non-polar, with methionine, which is neutral and non-polar, at codon 649 of the BMP1 protein (p.Val649Met). This variant is present in population databases (no rsID available, gnomAD 0.003%). This variant has not been reported in the literature in individuals affected with BMP1-related conditions. Algorithms developed to predict the effect of missense changes on protein structure and function are either unavailable or do not agree on the potential impact of this missense change (SIFT: "Deleterious"; PolyPhen-2: "Probably Damaging"; Align-GVGD: "Class C15"). In summary, the available evidence is currently insufficient to determine the role of this variant in disease. Therefore, it has been classified as a Variant of Uncertain Significance.